The following is an entry in ClinVar:

ClinVar aggregate classification (germline): Uncertain significance. Review status: criteria provided, multiple submitters, no conflicts (2 of 4 stars). 2 submissions from 2 submitters: Uncertain significance (2). Last evaluated 2025-02-24.

Conditions:
Norman-Roberts syndrome (LIS2). Also called: Lissencephaly 2 (Norman-Roberts type). Identifiers: Orphanet 89844, MedGen C0796089, MONDO:0009760, OMIM 257320.
Familial temporal lobe epilepsy 7. Identifiers: Orphanet 101046, MedGen C4225327, MONDO:0014639, OMIM 616436.

Allele frequency attached by ClinVar (database versions not stated): gnomAD exomes below 0.00001; TOPMed 0.00002; gnomAD 0.00003.
gnomAD v4.1: 6 of 1,613,978 alleles (0.00037%); highest among the groups gnomAD compares: African/African-American, 0.004%; no homozygotes.

Submissions (2):

Women's Health and Genetics/Laboratory Corporation of America, LabCorp
Classification: Uncertain significance. Last evaluated: 2025-02-24. Review status: criteria provided, single submitter. Criteria: LabCorp Variant Classification Summary - May 2015. Collection method: clinical testing. Allele origin: germline.
Comment: Variant summary: RELN c.6470C>T (p.Pro2157Leu) results in a non-conservative amino acid change located in the EGF-like domain profile (IPR000742) of the encoded protein sequence. Four of five in-silico tools predict a damaging effect of the variant on protein function. The variant was absent in 251396 control chromosomes. The available data on variant occurrences in the general population are insufficient to allow any conclusion about variant significance. To our knowledge, no occurrence of c.6470C>T in individuals affected with Epilepsy Familial Temporal Lobe 7 and no experimental evidence demonstrating its impact on protein function have been reported. ClinVar contains an entry for this variant (Variation ID: 1001654). Based on the evidence outlined above, the variant was classified as uncertain significance.

Labcorp Genetics (formerly Invitae), Labcorp
Classification: Uncertain significance for Familial temporal lobe epilepsy 7; Norman-Roberts syndrome. Last evaluated: 2024-11-11. Review status: criteria provided, single submitter. Criteria: Invitae Variant Classification Sherloc (09022015). Collection method: clinical testing. Allele origin: germline.
Comment: This sequence change replaces proline, which is neutral and non-polar, with leucine, which is neutral and non-polar, at codon 2157 of the RELN protein (p.Pro2157Leu). This variant is not present in population databases (gnomAD no frequency). This variant has not been reported in the literature in individuals affected with RELN-related conditions. ClinVar contains an entry for this variant (Variation ID: 1001654). Invitae Evidence Modeling of protein sequence and biophysical properties (such as structural, functional, and spatial information, amino acid conservation, physicochemical variation, residue mobility, and thermodynamic stability) indicates that this missense variant is not expected to disrupt RELN protein function with a negative predictive value of 80%. In summary, the available evidence is currently insufficient to determine the role of this variant in disease. Therefore, it has been classified as a Variant of Uncertain Significance.

NM_005045.4(RELN):c.6470C>T (p.Pro2157Leu)

Gene: RELN (reelin; minus strand). Cytogenetic location: 7q22.1.
Variant type: single nucleotide variant.
Coding change: c.6470C>T on transcript NM_005045.4 (MANE Select); coding-DNA position 6470, C replaced by T.
Protein change: p.Pro2157Leu; replaces proline 2157 with leucine.
Molecular consequence: missense variant.
Genome position (GRCh38, 1-based): chr7:103,545,177, G>A on the plus strand (C>T on the coding strand, the complement: RELN is on the minus strand). VCF-style: chr7-103545177-G-A. GRCh37 (hg19) VCF-style: chr7-103185624-G-A.
Other names: c.6470C>T, p.Pro2157Leu (NM_173054.3); short protein forms P2157L.
Identifiers: ClinVar variation 1001654 (VCV001001654.9), dbSNP rs1412766990, ClinGen allele CA368770941.